The following is an entry in ClinVar:

ClinVar aggregate classification (germline): Benign/Likely benign. Review status: criteria provided, multiple submitters, no conflicts (2 of 4 stars). 2 submissions from 2 submitters: Benign (1); Likely benign (1). Last evaluated 2026-01-29.

gnomAD v4.1: 521 of 941,870 alleles (0.055%); highest among the groups gnomAD compares: African/African-American, 0.57%; 3 homozygotes.

Submissions (2):

Women's Health and Genetics/Laboratory Corporation of America, LabCorp
Classification: Benign. Last evaluated: 2026-01-29. Review status: criteria provided, single submitter. Criteria: LabCorp Variant Classification Summary - May 2015. Collection method: clinical testing. Allele origin: germline.
Comment: Variant summary: RNU7-1 n.53G>A alters a nucleotide in the non-coding RNA. The variant allele was found at a frequency of 0.00055 in 941870 control chromosomes in the gnomAD database, including 3 homozygotes. This frequency is not significantly higher than estimated for disease-causing variants in RNU7-1, however the presence of multiple homozygous controls is not consistent with the early onset, severe presentation of RNU7-1-related conditions. To our knowledge, no occurrence of n.53G>A in individuals affected with RNU7-1-related conditions and no experimental evidence demonstrating its impact on protein function have been reported. ClinVar contains an entry for this variant (Variation ID: 4683720). Based on the evidence outlined above, the variant was classified as benign.

Mayo Clinic Laboratories, Mayo Clinic
Classification: Likely benign. Last evaluated: 2025-06-24. Review status: criteria provided, single submitter. Criteria: ACMG Guidelines, 2015. Collection method: clinical testing. Allele origin: germline. Observed: 2 variant alleles.
Comment: BS1, BS2_supporting

Literature cited by the submitters: PubMed 35320431 (cited by Women's Health and Genetics/Laboratory Corporation of America, LabCorp).

NR_023317.1(RNU7-1):n.53G>A

Genes: C12orf57 (chromosome 12 open reading frame 57; plus strand), RNU7-1 (RNA, U7 small nuclear 1; plus strand). Cytogenetic location: 12p13.31.
Variant type: single nucleotide variant.
Molecular consequence: non-coding transcript variant (on NR_023317.1). On other transcripts: intron variant (2).
Genome position: GRCh38 VCF-style: chr12-6943868-G-A. GRCh37 (hg19) VCF-style: chr12-7053031-G-A.
Other names: c.13+206G>A (NM_001301836.2); c.-16+206G>A (NM_001301834.1).
Identifiers: ClinVar variation 4683720 (VCV004683720.2).